The following is an entry in ClinVar:

ClinVar aggregate classification (germline): Conflicting classifications of pathogenicity. Review status: criteria provided, conflicting classifications (1 of 4 stars). 5 submissions from 5 submitters: Uncertain significance (3); Likely benign (2). Last evaluated 2025-08-30.

Conditions:
Hereditary cancer-predisposing syndrome. Also called: Tumor predisposition; Neoplastic Syndromes, Hereditary; Hereditary Cancer Syndrome; Hereditary neoplastic syndrome. Identifiers: Orphanet 140162, MedGen C0027672, MeSH D009386, MONDO:0015356.
Tuberous sclerosis syndrome (TSC). Also called: Tuberous Sclerosis Complex; Tuberous sclerosis. Identifiers: Orphanet 805, MedGen C0041341, MONDO:0001734.
Tuberous sclerosis 2 (TSC2). Identifiers: Orphanet 805, MedGen C1860707, MONDO:0013199, OMIM 613254.

gnomAD v4.1: 4 of 1,612,828 alleles (0.00025%); highest among the groups gnomAD compares: Non-Finnish European, 0.00034%; no homozygotes.

Submissions (5):

Labcorp Genetics (formerly Invitae), Labcorp
Classification: Uncertain significance for Tuberous sclerosis 2. Last evaluated: 2025-08-30. Review status: criteria provided, single submitter. Criteria: Invitae Variant Classification Sherloc (09022015). Collection method: clinical testing. Allele origin: germline.
Comment: This sequence change replaces alanine, which is neutral and non-polar, with proline, which is neutral and non-polar, at codon 1758 of the TSC2 protein (p.Ala1758Pro). This variant is not present in population databases (gnomAD no frequency). This variant has not been reported in the literature in individuals affected with TSC2-related conditions. ClinVar contains an entry for this variant (Variation ID: 486648). Invitae Evidence Modeling of protein sequence and biophysical properties (such as structural, functional, and spatial information, amino acid conservation, physicochemical variation, residue mobility, and thermodynamic stability) indicates that this missense variant is not expected to disrupt TSC2 protein function with a negative predictive value of 95%. In summary, the available evidence is currently insufficient to determine the role of this variant in disease. Therefore, it has been classified as a Variant of Uncertain Significance.

All of Us Research Program, National Institutes of Health
Classification: Uncertain significance for Tuberous sclerosis syndrome. Last evaluated: 2024-03-05. Review status: criteria provided, single submitter. Criteria: ACMG Guidelines, 2015. Collection method: clinical testing. Allele origin: germline. Inheritance: Autosomal dominant inheritance. Observed: 1 variant allele, 1 heterozygote.
Comment: This study involves interpretation of variants in research participants for the purpose of population health screening. Participant phenotype was not available at the time of variant classification. Additional details can be found in publication PMID: 35346344, PMCID: PMC8962531

GeneDx
Classification: Uncertain significance. Last evaluated: 2022-01-03. Review status: criteria provided, single submitter. Criteria: GeneDx Variant Classification Process June 2021. Collection method: clinical testing. Allele origin: germline. Affected: yes.
Comment: Not observed at significant frequency in large population cohorts (gnomAD); In silico analysis supports that this missense variant does not alter protein structure/function; Has not been previously published as pathogenic or benign to our knowledge

Genome-Nilou Lab
Classification: Likely benign for Tuberous sclerosis 2. Last evaluated: 2021-11-07. Review status: criteria provided, single submitter. Criteria: ACMG Guidelines, 2015. Collection method: clinical testing. Allele origin: germline. Affected: no.

Ambry Genetics
Classification: Likely benign for Hereditary cancer-predisposing syndrome. Last evaluated: 2018-05-30. Review status: criteria provided, single submitter. Criteria: Ambry Variant Classification Scheme 2023. Collection method: clinical testing. Allele origin: germline.

NM_000548.5(TSC2):c.5272G>C (p.Ala1758Pro)

Gene: TSC2 (TSC complex subunit 2; plus strand). Cytogenetic location: 16p13.3.
Variant type: single nucleotide variant.
Coding change: c.5272G>C on transcript NM_000548.5 (MANE Select); coding-DNA position 5272, G replaced by C.
Protein change: p.Ala1758Pro; replaces alanine 1758 with proline.
Molecular consequence: missense variant.
Genome position (GRCh38, 1-based): chr16:2,088,458, G>C. VCF-style: chr16-2088458-G-C. GRCh37 (hg19) VCF-style: chr16-2138459-G-C.
Other names: c.5071G>C, p.Ala1691Pro (NM_001077183.3); c.5203G>C, p.Ala1735Pro (NM_001114382.3); c.4963G>C, p.Ala1655Pro (NM_001318827.2); c.4927G>C, p.Ala1643Pro (NM_001318829.2); c.4540G>C, p.Ala1514Pro (NM_001318831.2); c.5104G>C, p.Ala1702Pro (NM_001318832.2); c.5074G>C, p.Ala1692Pro (NM_001363528.2); c.5140G>C, p.Ala1714Pro (NM_001370404.1); and 2 more; short protein forms A1758P, A1715P, A1514P, A1692P, A1702P, A1711P, A1735P, A1643P.
Identifiers: ClinVar variation 486648 (VCV000486648.19), dbSNP rs1555441169, ClinGen allele CA394315130.